The following is an entry in ClinVar:

NM_006206.6(PDGFRA):c.428A>T (p.Asp143Val)

Gene: PDGFRA (platelet derived growth factor receptor alpha; plus strand). Cytogenetic location: 4q12.
Variant type: single nucleotide variant.
Coding change: c.428A>T on transcript NM_006206.6 (MANE Select); coding-DNA position 428, A replaced by T.
Protein change: p.Asp143Val; replaces aspartic acid 143 with valine.
Molecular consequence: missense variant.
Genome position (GRCh38, 1-based): chr4:54,263,727, A>T. VCF-style: chr4-54263727-A-T. GRCh37 (hg19) VCF-style: chr4-55129894-A-T.
Other names: c.428A>T, p.Asp143Val (NM_001347827.2, NM_001347829.2); c.503A>T, p.Asp168Val (NM_001347828.2); c.467A>T, p.Asp156Val (NM_001347830.2); c.428A>T (NM_006206.4); short protein forms D168V, D143V, D156V.
Identifiers: ClinVar variation 1444433 (VCV001444433.16), dbSNP rs2110251193, ClinGen allele CA356889803.

ClinVar aggregate classification (germline): Uncertain significance. Review status: criteria provided, multiple submitters, no conflicts (2 of 4 stars). 2 submissions from 2 submitters: Uncertain significance (2). Last evaluated 2025-08-22.

Conditions:
Gastrointestinal stromal tumor. Also called: Gastrointestinal stroma tumor; Gastrointestinal stromal tumor, somatic. Identifiers: Orphanet 44890, MedGen C0238198, MeSH D046152, MONDO:0011719, OMIM 606764, HP:0100723.
Hereditary cancer-predisposing syndrome. Also called: Hereditary neoplastic syndrome; Tumor predisposition; Hereditary Cancer Syndrome; Neoplastic Syndromes, Hereditary. Identifiers: Orphanet 140162, MedGen C0027672, MeSH D009386, MONDO:0015356.

Submissions (2):

Ambry Genetics
Classification: Uncertain significance for Hereditary cancer-predisposing syndrome. Last evaluated: 2025-08-22. Review status: criteria provided, single submitter. Criteria: Ambry Variant Classification Scheme 2023. Collection method: clinical testing. Allele origin: germline.
Comment: The p.D143V variant (also known as c.428A>T), located in coding exon 3 of the PDGFRA gene, results from an A to T substitution at nucleotide position 428. The aspartic acid at codon 143 is replaced by valine, an amino acid with highly dissimilar properties. This amino acid position is conserved. In addition, this alteration is predicted to be tolerated by in silico analysis. Based on the available evidence, the clinical significance of this variant remains unclear.

Labcorp Genetics (formerly Invitae), Labcorp
Classification: Uncertain significance for Gastrointestinal stromal tumor. Last evaluated: 2021-03-07. Review status: criteria provided, single submitter. Criteria: Invitae Variant Classification Sherloc (09022015). Collection method: clinical testing. Allele origin: germline.
Comment: This variant has not been reported in the literature in individuals with PDGFRA-related conditions. Algorithms developed to predict the effect of missense changes on protein structure and function (SIFT, PolyPhen-2, Align-GVGD) all suggest that this variant is likely to be tolerated, but these predictions have not been confirmed by published functional studies and their clinical significance is uncertain. This sequence change replaces aspartic acid with valine at codon 143 of the PDGFRA protein (p.Asp143Val). The aspartic acid residue is moderately conserved and there is a large physicochemical difference between aspartic acid and valine. This variant is not present in population databases (ExAC no frequency). In summary, the available evidence is currently insufficient to determine the role of this variant in disease. Therefore, it has been classified as a Variant of Uncertain Significance.